The following is an entry in ClinVar:

ClinVar aggregate classification (germline): Uncertain significance (1 of 4 stars; one submission).

Submission:

GeneDx
Classification: Uncertain significance. Last evaluated: 2024-03-06. Review status: criteria provided, single submitter. Criteria: GeneDx Variant Classification Process June 2021. Collection method: clinical testing. Allele origin: germline. Affected: yes.
Comment: Not observed at significant frequency in large population cohorts (gnomAD); This substitution is predicted to be within the N-terminal cytoplasmic domain; In silico analysis supports that this missense variant has a deleterious effect on protein structure/function; Has not been previously published as pathogenic or benign to our knowledge

NM_172107.4(KCNQ2):c.234G>T (p.Gln78His)

Gene: KCNQ2 (potassium voltage-gated channel subfamily Q member 2; minus strand). Cytogenetic location: 20q13.33.
Variant type: single nucleotide variant.
Coding change: c.234G>T on transcript NM_172107.4 (MANE Select); coding-DNA position 234, G replaced by T.
Protein change: p.Gln78His; replaces glutamine 78 with histidine.
Molecular consequence: missense variant.
Genome position (GRCh38, 1-based): chr20:63,472,230, C>A on the plus strand (G>T on the coding strand, the complement: KCNQ2 is on the minus strand). VCF-style: chr20-63472230-C-A. GRCh37 (hg19) VCF-style: chr20-62103583-C-A.
Other names: c.234G>T, p.Gln78His (NM_001382235.1, NM_004518.6, NM_172106.3 and 2 more transcripts); short protein forms Q78H.
Identifiers: ClinVar variation 3370572 (VCV003370572.1).